The following is an entry in ClinVar:

NM_006005.3(WFS1):c.2437G>T (p.Val813Leu)

Gene: WFS1 (wolframin ER transmembrane glycoprotein; plus strand). Cytogenetic location: 4p16.1.
Variant type: single nucleotide variant.
Coding change: c.2437G>T on transcript NM_006005.3 (MANE Select); coding-DNA position 2437, G replaced by T.
Protein change: p.Val813Leu; replaces valine 813 with leucine.
Molecular consequence: missense variant.
Genome position (GRCh38, 1-based): chr4:6,302,232, G>T. VCF-style: chr4-6302232-G-T. GRCh37 (hg19) VCF-style: chr4-6303959-G-T.
Other names: c.2437G>T, p.Val813Leu (NM_001145853.1); short protein forms V813L.
Identifiers: ClinVar variation 2958613 (VCV002958613.4), dbSNP rs756972444, ClinGen allele CA356178581.

ClinVar aggregate classification (germline): Uncertain significance. Review status: criteria provided, multiple submitters, no conflicts (2 of 4 stars). 2 submissions from 2 submitters: Uncertain significance (2). Last evaluated 2024-09-20.

gnomAD v4.1: 5 of 1,607,896 alleles (0.00031%); highest among the groups gnomAD compares: Non-Finnish European, 0.00042%; no homozygotes.

Submissions (2):

Blueprint Genetics
Classification: Uncertain significance. Last evaluated: 2024-09-20. Review status: criteria provided, single submitter. Criteria: ACMG Guidelines, 2015. Collection method: clinical testing. Allele origin: germline.

Labcorp Genetics (formerly Invitae), Labcorp
Classification: Uncertain significance. Last evaluated: 2023-02-08. Review status: criteria provided, single submitter. Criteria: Invitae Variant Classification Sherloc (09022015). Collection method: clinical testing. Allele origin: germline.
Comment: Advanced modeling of protein sequence and biophysical properties (such as structural, functional, and spatial information, amino acid conservation, physicochemical variation, residue mobility, and thermodynamic stability) performed at Invitae indicates that this missense variant is not expected to disrupt WFS1 protein function. This variant has not been reported in the literature in individuals affected with WFS1-related conditions. This variant is not present in population databases (gnomAD no frequency). This sequence change replaces valine, which is neutral and non-polar, with leucine, which is neutral and non-polar, at codon 813 of the WFS1 protein (p.Val813Leu). In summary, the available evidence is currently insufficient to determine the role of this variant in disease. Therefore, it has been classified as a Variant of Uncertain Significance.